The following is an entry in ClinVar:

NM_014915.3(ANKRD26):c.850G>C (p.Ala284Pro)

Gene: ANKRD26 (ankyrin repeat domain 26; minus strand). Cytogenetic location: 10p12.1.
Variant type: single nucleotide variant.
Coding change: c.850G>C on transcript NM_014915.3 (MANE Select); coding-DNA position 850, G replaced by C.
Protein change: p.Ala284Pro; replaces alanine 284 with proline.
Molecular consequence: missense variant.
Genome position (GRCh38, 1-based): chr10:27,077,657, C>G on the plus strand (G>C on the coding strand, the complement: ANKRD26 is on the minus strand). VCF-style: chr10-27077657-C-G. GRCh37 (hg19) VCF-style: chr10-27366586-C-G.
Other names: c.850G>C, p.Ala284Pro (NM_001256053.2); short protein forms A284P.
Identifiers: ClinVar variation 5023384 (VCV005023384.1).

ClinVar aggregate classification (germline): Uncertain significance (1 of 4 stars; one submission).

Conditions:
Inborn genetic diseases. Identifiers: MedGen C0950123, MeSH D030342.

Submission:

Ambry Genetics
Classification: Uncertain significance for Inborn genetic diseases. Last evaluated: 2026-08-02. Review status: criteria provided, single submitter. Criteria: Ambry Variant Classification Scheme 2023. Collection method: clinical testing. Allele origin: germline.
Comment: The p.A284P variant (also known as c.850G>C), located in coding exon 8 of the ANKRD26 gene, results from a G to C substitution at nucleotide position 850. The alanine at codon 284 is replaced by proline, an amino acid with highly similar properties. This amino acid position is conserved. In addition, this alteration is predicted to be tolerated by in silico analysis. Based on the available evidence, the clinical significance of this variant remains unclear.